The following is an entry in ClinVar:

ClinVar aggregate classification (germline): Uncertain significance (1 of 4 stars; one submission).

Conditions:
PLXNA4-related disorder. Also called: PLXNA4-related condition.

gnomAD v4.1: 5 of 1,613,994 alleles (0.00031%); highest among the groups gnomAD compares: South Asian, 0.0011%; no homozygotes.

Submission:

PreventionGenetics, part of Exact Sciences
Classification: Uncertain significance for PLXNA4-related condition. Last evaluated: 2025-07-25. Review status: criteria provided, single submitter. Criteria: ACMG Guidelines, 2015. Collection method: clinical testing. Allele origin: germline.
Comment: The PLXNA4 c.1132G>A variant is predicted to result in the amino acid substitution p.Glu378Lys. To our knowledge, this variant has not been reported in the literature or in a large population database (gnomAD), indicating this variant is rare. At this time, the clinical significance of this variant is uncertain due to the absence of conclusive functional and genetic evidence.

NM_020911.2(PLXNA4):c.1132G>A (p.Glu378Lys)

Gene: PLXNA4 (plexin A4; minus strand). Cytogenetic location: 7q32.3.
Variant type: single nucleotide variant.
Coding change: c.1132G>A on transcript NM_020911.2 (MANE Select); coding-DNA position 1132, G replaced by A.
Protein change: p.Glu378Lys; replaces glutamic acid 378 with lysine.
Molecular consequence: missense variant.
Genome position (GRCh38, 1-based): chr7:132,507,562, C>T on the plus strand (G>A on the coding strand, the complement: PLXNA4 is on the minus strand). VCF-style: chr7-132507562-C-T. GRCh37 (hg19) VCF-style: chr7-132192321-C-T.
Other names: c.1132G>A, p.Glu378Lys (NM_001105543.2, NM_001393897.1, NM_181775.4); short protein forms E378K.
Identifiers: ClinVar variation 4986969 (VCV004986969.1).